The following is an entry in ClinVar:

ClinVar aggregate classification (germline): Likely pathogenic (1 of 4 stars; one submission).

Conditions:
MYO15A-related disorder. Also called: MYO15A-related condition.

Submission:

PreventionGenetics, part of Exact Sciences
Classification: Likely pathogenic for MYO15A-related condition. Last evaluated: 2023-06-07. Review status: criteria provided, single submitter. Criteria: ACMG Guidelines, 2015. Collection method: clinical testing. Allele origin: germline.
Comment: The MYO15A c.9612+1G>A variant is predicted to disrupt the GT donor site and interfere with normal splicing. To our knowledge, this variant has not been reported in the literature or in a large population database, indicating this variant is rare. Variants that disrupt the consensus splice donor site in MYO15A are expected to be pathogenic. This variant is interpreted as likely pathogenic.

NM_016239.4(MYO15A):c.9612+1G>A

Gene: MYO15A (myosin XVA; plus strand). Cytogenetic location: 17p11.2.
Variant type: single nucleotide variant.
Coding change: c.9612+1G>A on transcript NM_016239.4 (MANE Select); the canonical splice donor site of the intron after coding-DNA position 9612, G replaced by A.
Molecular consequence: splice donor variant.
Genome position (GRCh38, 1-based): chr17:18,162,680, G>A. VCF-style: chr17-18162680-G-A. GRCh37 (hg19) VCF-style: chr17-18065994-G-A.
Identifiers: ClinVar variation 2632603 (VCV002632603.1), dbSNP rs2545317873, ClinGen allele CA398638489.